The following is an entry in ClinVar:

ClinVar aggregate classification (germline): Uncertain significance. Review status: criteria provided, multiple submitters, no conflicts (2 of 4 stars). 2 submissions from 2 submitters: Uncertain significance (2). Last evaluated 2024-03-20.

Conditions:
Cardiovascular phenotype. Identifiers: MedGen CN230736.
Hypoalphalipoproteinemia, primary, 2. Also called: HIGH DENSITY LIPOPROTEIN DEFICIENCY; HYPOALPHALIPOPROTEINEMIA, PRIMARY, 2, AUTOSOMAL RECESSIVE. Identifiers: MedGen C5551172, MONDO:0032766, OMIM 618463.
Hypoalphalipoproteinemia, primary, 2, intermediate. Also called: HYPOALPHALIPOPROTEINEMIA, PRIMARY, 2, AUTOSOMAL DOMINANT. Identifiers: MedGen C5677030, MONDO:0859238, OMIM 619836.
Familial amyloid polyneuropathy, Iowa type (AMYLD3). Also called: AMYLOIDOSIS, HEREDITARY SYSTEMIC 3; AMYLOIDOSIS, IOWA TYPE; AMYLOIDOSIS, VAN ALLEN TYPE; AMYLOIDOSIS, TYPE III; AMYLOIDOSIS, TYPE IV; Familial amyloid polyneuropathy type III. Identifiers: MedGen C4551500, MONDO:0971008, OMIM 620657.

gnomAD v4.1: 1 of 1,613,112 alleles (0.000062%); no homozygotes.

Submissions (2):

Fulgent Genetics
Classification: Uncertain significance for Hypoalphalipoproteinemia, primary, 2; Hypoalphalipoproteinemia, primary, 2, intermediate; Familial amyloid polyneuropathy, Iowa type. Last evaluated: 2024-03-20. Review status: criteria provided, single submitter. Criteria: ACMG Guidelines, 2015. Collection method: clinical testing. Allele origin: germline.

Ambry Genetics
Classification: Uncertain significance for Cardiovascular phenotype. Last evaluated: 2023-12-21. Review status: criteria provided, single submitter. Criteria: Ambry Variant Classification Scheme 2023. Collection method: clinical testing. Allele origin: germline.
Comment: The p.K263N variant (also known as c.789G>T), located in coding exon 3 of the APOA1 gene, results from a G to T substitution at nucleotide position 789. The lysine at codon 263 is replaced by asparagine, an amino acid with similar properties. This amino acid position is conserved. In addition, this alteration is predicted to be tolerated by in silico analysis. Since supporting evidence is limited at this time, the clinical significance of this alteration remains unclear.

NM_000039.3(APOA1):c.789G>T (p.Lys263Asn)

Gene: APOA1 (apolipoprotein A1; minus strand). Cytogenetic location: 11q23.3.
Variant type: single nucleotide variant.
Coding change: c.789G>T on transcript NM_000039.3 (MANE Select); coding-DNA position 789, G replaced by T.
Protein change: p.Lys263Asn; replaces lysine 263 with asparagine.
Molecular consequence: missense variant.
Genome position (GRCh38, 1-based): chr11:116,835,823, C>A on the plus strand (G>T on the coding strand, the complement: APOA1 is on the minus strand). VCF-style: chr11-116835823-C-A. GRCh37 (hg19) VCF-style: chr11-116706539-C-A.
Other names: c.789G>T, p.Lys263Asn (NM_001318017.2, NM_001318018.2, NM_001425090.1); c.462G>T, p.Lys154Asn (NM_001318021.2, NM_001425091.1, NM_001425092.1); c.744G>T, p.Lys248Asn (NM_001425093.1); short protein forms K154N, K248N, K263N.
Identifiers: ClinVar variation 3231950 (VCV003231950.2), dbSNP rs923507798, ClinGen allele CA382713660.